The following is an entry in ClinVar:

ClinVar aggregate classification (germline): Uncertain significance (1 of 4 stars; one submission).

Conditions:
Congenital myasthenic syndrome 4A. Also called: Myasthenic syndrome, congenital, 4a, slow-channel; MYASTHENIC SYNDROME, CONGENITAL, 4A, SLOW-CHANNEL, AUTOSOMAL RECESSIVE; CONGENITAL MYASTHENIC SYNDROME TYPE Ia1. Identifiers: Orphanet 590, MedGen C4225413, MONDO:0011600, OMIM 605809.

gnomAD v4.1: 57 of 1,610,022 alleles (0.0035%); highest among the groups gnomAD compares: Non-Finnish European, 0.0048%; no homozygotes.

Submission:

Victorian Clinical Genetics Services, Murdoch Childrens Research Institute
Classification: Uncertain significance for Congenital myasthenic syndrome 4A. Last evaluated: 2023-07-17. Review status: criteria provided, single submitter. Criteria: ACMG Guidelines, 2015. Collection method: clinical testing. Allele origin: germline. Inheritance: Autosomal dominant inheritance. Affected: yes.
Comment: Based on the classification scheme VCGS_Germline_v1.3.4, this variant is classified as VUS-3A. Following criteria are met: 0103 - Loss of function and gain of function are known mechanisms of disease in this gene and are associated with congenital myasthenic syndrome, 4B, fast-channel (MIM#616324) and 4C, associated with acetylcholine receptor deficiency (MIM#608931), and 4A, slow-channel (MIM#605809), respectively (PMID: 25792100). (I) 0108 - This gene is associated with both recessive and dominant disease. Variants with a gain of function mechanism are associated with dominant disease, whereas biallelic loss of function variants are associated with recessive disease (PMID: 25792100). (I) 0200 - Variant is predicted to result in a missense amino acid change from phenylalanine to leucine. (I) 0251 - This variant is heterozygous. (I) 0304 - Variant is present in gnomAD (v2, v3) <0.01 (6 heterozygotes, 0 homozygotes). One of these heterozygote entries is an alternative nucleotide change with the same protein outcome. (SP) 0502 - Missense variant with conflicting in silico predictions and uninformative conservation. (I) 0600 - Variant is located in the annotated neurotransmitter-gated ion-channel ligand binding domain (DECIPHER). (I) 0705 - No comparable missense variants have previous evidence for pathogenicity. (I) 0807 - This variant has no previous evidence of pathogenicity. (I) 0906 - Segregation evidence for this variant is inconclusive. (I) 1007 - No published functional evidence has been identified for this variant. (I) Legend: (SP) - Supporting pathogenic, (I) - Information, (SB) - Supporting benign

Literature cited by the submitters: PubMed 25792100.

NM_000080.4(CHRNE):c.469T>C (p.Phe157Leu)

Genes: C17orf107 (chromosome 17 open reading frame 107; plus strand), CHRNE (cholinergic receptor nicotinic epsilon subunit; minus strand). Cytogenetic location: 17p13.2.
Variant type: single nucleotide variant.
Coding change: c.469T>C on transcript NM_000080.4 (MANE Select); coding-DNA position 469, T replaced by C.
Protein change: p.Phe157Leu; replaces phenylalanine 157 with leucine.
Molecular consequence: missense variant. On other transcripts: 3 prime UTR variant (1).
Genome position (GRCh38, 1-based): chr17:4,901,963, A>G on the plus strand (T>C on the coding strand, the complement: CHRNE is on the minus strand). VCF-style: chr17-4901963-A-G. GRCh37 (hg19) VCF-style: chr17-4805258-A-G.
Other names: c.*1430A>G (NM_001145536.2); short protein forms F157L.
Identifiers: ClinVar variation 3377441 (VCV003377441.1).